The following is an entry in ClinVar:

ClinVar aggregate classification (germline): Uncertain significance (1 of 4 stars; one submission).

gnomAD v4.1: 1 of 1,176,735 alleles (0.000085%); no homozygotes.

Submission:

Labcorp Genetics (formerly Invitae), Labcorp
Classification: Uncertain significance. Last evaluated: 2022-11-08. Review status: criteria provided, single submitter. Criteria: Invitae Variant Classification Sherloc (09022015). Collection method: clinical testing. Allele origin: germline.
Comment: In summary, the available evidence is currently insufficient to determine the role of this variant in disease. Therefore, it has been classified as a Variant of Uncertain Significance. Advanced modeling of protein sequence and biophysical properties (such as structural, functional, and spatial information, amino acid conservation, physicochemical variation, residue mobility, and thermodynamic stability) performed at Invitae indicates that this missense variant is not expected to disrupt POLA1 protein function. This variant has not been reported in the literature in individuals affected with POLA1-related conditions. This variant is present in population databases (no rsID available, gnomAD 0.001%). This sequence change replaces phenylalanine, which is neutral and non-polar, with isoleucine, which is neutral and non-polar, at codon 389 of the POLA1 protein (p.Phe389Ile).

NM_001330360.2(POLA1):c.1183T>A (p.Phe395Ile)

Gene: POLA1 (DNA polymerase alpha 1, catalytic subunit; plus strand). Cytogenetic location: Xp22.11.
Variant type: single nucleotide variant.
Coding change: c.1183T>A on transcript NM_001330360.2 (MANE Select); coding-DNA position 1183, T replaced by A.
Protein change: p.Phe395Ile; replaces phenylalanine 395 with isoleucine.
Molecular consequence: missense variant. On other transcripts: non-coding transcript variant (2).
Genome position (GRCh38, 1-based): chrX:24,723,250, T>A. VCF-style: chrX-24723250-T-A. GRCh37 (hg19) VCF-style: chrX-24741367-T-A.
Other names: c.1183T>A, p.Phe395Ile (NM_001378303.1); c.1165T>A, p.Phe389Ile (NM_016937.4); short protein forms F395I, F389I.
Identifiers: ClinVar variation 2133621 (VCV002133621.4), dbSNP rs1469548656, ClinGen allele CA412532091.